The following is an entry in ClinVar:

NM_001148.6(ANK2):c.11353C>A (p.Gln3785Lys)

Gene: ANK2 (ankyrin 2; plus strand). Cytogenetic location: 4q26.
Variant type: single nucleotide variant.
Coding change: c.11353C>A on transcript NM_001148.6 (MANE Select); coding-DNA position 11353, C replaced by A.
Protein change: p.Gln3785Lys; replaces glutamine 3785 with lysine.
Molecular consequence: missense variant.
Genome position (GRCh38, 1-based): chr4:113,369,548, C>A. VCF-style: chr4-113369548-C-A. GRCh37 (hg19) VCF-style: chr4-114290704-C-A.
Other names: c.5071C>A, p.Gln1691Lys (NM_001127493.3); c.5110C>A, p.Gln1704Lys (NM_001354225.2); c.4999C>A, p.Gln1667Lys (NM_001354228.2, NM_001354258.2); c.5077C>A, p.Gln1693Lys (NM_001354230.2); c.5140C>A, p.Gln1714Lys (NM_001354231.2, NM_001354242.2); c.5134C>A, p.Gln1712Lys (NM_001354232.2); c.5095C>A, p.Gln1699Lys (NM_001354235.2, NM_001354246.2, NM_001354265.2); c.4996C>A, p.Gln1666Lys (NM_001354236.2); and 35 more; short protein forms Q1572K, Q1600K, Q1625K, Q1645K, Q1648K, Q1667K, Q1678K, Q1679K.
Identifiers: ClinVar variation 4725509 (VCV004725509.1).

ClinVar aggregate classification (germline): Uncertain significance (1 of 4 stars; one submission).

Conditions:
Long QT syndrome (LQTS). Identifiers: MedGen C0023976, MeSH D008133, MONDO:0002442. Disease mechanism: loss of function. Inheritance: Various modes of inheritance.

Submission:

Labcorp Genetics (formerly Invitae), Labcorp
Classification: Uncertain significance for Long QT syndrome. Last evaluated: 2025-08-16. Review status: criteria provided, single submitter. Criteria: Invitae Variant Classification Sherloc (09022015). Collection method: clinical testing. Allele origin: germline.
Comment: This sequence change replaces glutamine, which is neutral and polar, with lysine, which is basic and polar, at codon 3785 of the ANK2 protein (p.Gln3785Lys). This variant is not present in population databases (gnomAD no frequency). This variant has not been reported in the literature in individuals affected with ANK2-related conditions. An algorithm developed to predict the effect of missense changes on protein structure and function (PolyPhen-2) suggests that this variant is likely to be tolerated. In summary, the available evidence is currently insufficient to determine the role of this variant in disease. Therefore, it has been classified as a Variant of Uncertain Significance.